The following is an entry in ClinVar:

ClinVar aggregate classification (germline): Benign/Likely benign. Review status: criteria provided, multiple submitters, no conflicts (2 of 4 stars). 4 submissions from 4 submitters: Benign (1); Likely benign (3). Last evaluated 2026-02-01.

Conditions:
Epidermolysis bullosa, junctional 6, with pyloric atresia. Also called: ITGA6-Related Epidermolysis Bullosa with Pyloric Atresia. Identifiers: MedGen C5676957, MONDO:0859233, OMIM 619817.
Junctional epidermolysis bullosa with pyloric atresia. Also called: CARMI SYNDROME; EB-PA-ACC; ITGB4-Related Epidermolysis Bullosa with Pyloric Atresia; APLASIA CUTIS CONGENITA WITH GASTROINTESTINAL ATRESIA; Epidermolysis bullosa, junctional, with pyloric atresia and aplasia cutis congenita; Epidermolysis bullosa junctionalis with pyloric atresia. Identifiers: Orphanet 79403, MedGen C5676875, MONDO:0009183, OMIM 226730.

Allele frequency attached by ClinVar (database versions not stated): gnomAD exomes 0.00191 and 0.00057; 1000 Genomes Project 0.00839; ExAC 0.00216; gnomAD 0.00631 and 0.00670; TOPMed 0.00732; ESP Exome Variant Server 0.00761; 1000 Genomes Project 30x 0.00937.
gnomAD v4.1: 1,853 of 1,612,098 alleles (0.11%); highest among the groups gnomAD compares: African/African-American, 2.1%; 20 homozygotes.

Submissions (4):

Labcorp Genetics (formerly Invitae), Labcorp
Classification: Benign. Last evaluated: 2026-02-01. Review status: criteria provided, single submitter. Criteria: Invitae Variant Classification Sherloc (09022015). Collection method: clinical testing. Allele origin: germline.

Fulgent Genetics
Classification: Likely benign for Epidermolysis bullosa, junctional 6, with pyloric atresia. Last evaluated: 2021-07-21. Review status: criteria provided, single submitter. Criteria: ACMG Guidelines, 2015. Collection method: clinical testing. Allele origin: unknown.

Illumina Laboratory Services, Illumina
Classification: Likely benign for Junctional epidermolysis bullosa with pyloric atresia. Last evaluated: 2017-04-27. Review status: criteria provided, single submitter. Criteria: ICSL Variant Classification Criteria 13 December 2019. Collection method: clinical testing. Allele origin: germline.
Comment: This variant was observed as part of a predisposition screen in an ostensibly healthy population. A literature search was performed for the gene, cDNA change, and amino acid change (where applicable). No publications were found based on this search. Allele frequency data from public databases allowed determination this variant is unlikely to cause disease. Therefore, this variant is classified as likely benign.

Breakthrough Genomics
Classification: Likely benign. Review status: criteria provided, single submitter. Criteria: ACMG Guidelines, 2015. Collection method: not provided. Allele origin: germline. Inheritance: Autosomal recessive inheritance. Affected: yes.

NM_000210.4(ITGA6):c.3222G>A (p.Ter1074=)

Genes: ITGA6 (integrin subunit alpha 6; plus strand), PDK1-AS1 (PDK1 and ITGA6 antisense RNA 1; minus strand). Cytogenetic location: 2q31.1.
Variant type: single nucleotide variant.
Coding change: c.3222G>A on transcript NM_000210.4 (MANE Select); coding-DNA position 3222, G replaced by A.
Protein change: p.Ter1074=.
Molecular consequence: synonymous variant. On other transcripts: intron variant (2).
Genome position (GRCh38, 1-based): chr2:172,501,879, G>A. VCF-style: chr2-172501879-G-A. GRCh37 (hg19) VCF-style: chr2-173366607-G-A.
Other names: c.2865G>A, p.Ter955= (NM_001316306.2); c.3177G>A, p.Ter1059= (NM_001365530.2); c.3115-2212G>A (NM_001079818.3); c.3070-2212G>A (NM_001365529.2).
Identifiers: ClinVar variation 332390 (VCV000332390.16), dbSNP rs16860616, ClinGen allele CA1968622.